The following is an entry in ClinVar:

NM_000257.4(MYH7):c.2206A>G (p.Ile736Val)

Gene: MYH7 (myosin heavy chain 7; minus strand). Cytogenetic location: 14q11.2.
Variant type: single nucleotide variant.
Coding change: c.2206A>G on transcript NM_000257.4 (MANE Select); coding-DNA position 2206, A replaced by G.
Protein change: p.Ile736Val; replaces isoleucine 736 with valine.
Molecular consequence: missense variant.
Genome position (GRCh38, 1-based): chr14:23,425,775, T>C on the plus strand (A>G on the coding strand, the complement: MYH7 is on the minus strand). VCF-style: chr14-23425775-T-C. GRCh37 (hg19) VCF-style: chr14-23894984-T-C.
Other names: short protein forms I736V.
Identifiers: ClinVar variation 42889 (VCV000042889.27), dbSNP rs397516138, ClinGen allele CA011954.
Genomic context (GRCh38, chr14:23,425,775, plus strand): 5'-ACTGGTTGTGATCAATGTCCAGGGAGCTGAGCAGCTTCTCTGCCCCCTTCCTGCTATCAA[T>C]GAACTGTCCCTCAGGGATGGCCGCTGGGTTCAGGATGCGATACCTGAGGAGGGAAGTGTC-3'
Protein context (NP_000248.2, residues 726-746): NPAAIPEGQF[Ile736Val]DSRKGAEKLL

ClinVar aggregate classification (germline): Conflicting classifications of pathogenicity. Review status: criteria provided, conflicting classifications (1 of 4 stars). 10 submissions from 10 submitters: Likely pathogenic (2); Uncertain significance (7). 1 of the submissions does not count toward it. Last evaluated 2025-10-07.

Conditions:
Cardiovascular phenotype. Identifiers: MedGen CN230736.
Cardiomyopathy (CMYO). Also called: Cardiomyopathies. Identifiers: Orphanet 167848, MedGen C0878544, MONDO:0004994, HP:0001638. Inheritance: Various modes of inheritance.
Hypertrophic cardiomyopathy 1 (CMH1). Also called: Familial hypertrophic cardiomyopathy 1; MYH7-Related Familial Hypertrophic Cardiomyopathy. Identifiers: MedGen C3495498, MONDO:0008647, OMIM 192600.
Hypertrophic cardiomyopathy. Also called: HYPERTROPHIC MYOCARDIOPATHY. Identifiers: Orphanet 217569, MedGen C0007194, MeSH D002312, MONDO:0005045, HP:0001639.

Allele frequency attached by ClinVar (database versions not stated): gnomAD exomes below 0.00001 and 0.00001; ExAC 0.00001; TOPMed 0.00002; gnomAD 0.00003 and 0.00004.
gnomAD v4.1: 9 of 1,613,852 alleles (0.00056%); highest among the groups gnomAD compares: African/African-American, 0.0013%; no homozygotes.

Submissions (10):

GeneDx
Classification: Likely pathogenic. Last evaluated: 2025-10-07. Review status: criteria provided, single submitter. Criteria: GeneDx Variant Classification Process June 2021. Collection method: clinical testing. Allele origin: germline. Affected: yes.
Comment: Not observed at significant frequency in large population cohorts (gnomAD); In silico analysis suggests that this missense variant does not alter protein structure/function; This variant is associated with the following publications: (PMID: 27247418, 27532257, 24793961, 32894683, 37652022, 34542152, 25611685, 29300372)

Labcorp Genetics (formerly Invitae), Labcorp
Classification: Likely pathogenic for Hypertrophic cardiomyopathy. Last evaluated: 2025-08-04. Review status: criteria provided, single submitter. Criteria: Invitae Variant Classification Sherloc (09022015). Collection method: clinical testing. Allele origin: germline.
Comment: This sequence change replaces isoleucine, which is neutral and non-polar, with valine, which is neutral and non-polar, at codon 736 of the MYH7 protein (p.Ile736Val). This variant is present in population databases (rs397516138, gnomAD 0.002%). This missense change has been observed in individuals with hypertrophic cardiomyopathy (PMID: 24793961, 26914223, 30297972, 37652022; internal data). ClinVar contains an entry for this variant (Variation ID: 42889). Invitae Evidence Modeling of protein sequence and biophysical properties (such as structural, functional, and spatial information, amino acid conservation, physicochemical variation, residue mobility, and thermodynamic stability) has been performed for this missense variant. However, the output from this modeling did not meet the statistical confidence thresholds required to predict the impact of this variant on MYH7 protein function. This variant disrupts the p.Ile736 amino acid residue in MYH7. Other variant(s) that disrupt this residue have been determined to be pathogenic (PMID: 15856146, 25935763). This suggests that this residue is clinically significant, and that variants that disrupt this residue are likely to be disease-causing. In summary, the currently available evidence indicates that the variant is pathogenic, but additional data are needed to prove that conclusively. Therefore, this variant has been classified as Likely Pathogenic.

Color Diagnostics, LLC DBA Color Health
Classification: Uncertain significance for Cardiomyopathy. Last evaluated: 2024-10-30. Review status: criteria provided, single submitter. Criteria: ACMG Guidelines, 2015. Collection method: clinical testing. Allele origin: germline.
Comment: This missense variant replaces isoleucine with valine at codon 736 of the MYH7 protein. This variant is found within a highly conserved region of the myosin head domain. Missense variants in this region have been shown to be significantly overrepresented in individuals with affected with hypertrophic cardiomyopathy (PMID: 27532257). Computational prediction tool is inconclusive regarding the impact of this variant on protein structure and function. This variant has been reported in several individuals affected with hypertrophic cardiomyopathy (PMID: 25611685, 24793961, 26914223, 27532257, 30297972, 32894683). This variant has been identified in 2/251186 chromosomes in the general population by the Genome Aggregation Database (gnomAD). A different missense variant occurring at the same codon, p.Ile736Thr, is known to be disease-causing (ClinVar variation ID: 164342), indicating that isoleucine at this position is important for MYH7 protein function. The available evidence is insufficient to determine the role of this variant in disease conclusively. Therefore, this variant is classified as a Variant of Uncertain Significance.

All of Us Research Program, National Institutes of Health
Classification: Uncertain significance for Cardiomyopathy. Last evaluated: 2024-01-11. Review status: criteria provided, single submitter. Criteria: ACMG Guidelines, 2015. Collection method: clinical testing. Allele origin: germline. Inheritance: Autosomal dominant inheritance. Observed: 4 variant alleles, 4 heterozygotes.
Comment: This missense variant replaces isoleucine with valine at codon 736 of the MYH7 protein. Computational prediction is inconclusive regarding the impact of this variant on protein structure and function (internally defined REVEL score threshold 0.5 < inconclusive < 0.7, PMID: 27666373). To our knowledge, functional studies have not been reported for this variant. This variant has been reported in two individuals affected with hypertrophic cardiomyopathy (PMID: 25611685, 24793961). This variant has been identified in 2/251186 chromosomes in the general population by the Genome Aggregation Database (gnomAD). A different missense variant occurring at the same codon, p.Ile736Thr, is known to be disease-causing (ClinVar variation ID: 164342), indicating that isoleucine at this position is important for MYH7 protein function. The available evidence is insufficient to determine the role of this variant in disease conclusively. Therefore, this variant is classified as a Variant of Uncertain Significance.

This study involves interpretation of variants in research participants for the purpose of population health screening. Participant phenotype was not available at the time of variant classification. Additional details can be found in publication PMID: 35346344, PMCID: PMC8962531

Mayo Clinic Laboratories, Mayo Clinic
Classification: Uncertain significance. Last evaluated: 2022-11-23. Review status: criteria provided, single submitter. Criteria: ACMG Guidelines, 2015. Collection method: clinical testing. Allele origin: germline. Observed: 1 variant allele.
Comment: PM1, PM2_supporting, PM5

Laboratory for Molecular Medicine, Mass General Brigham Personalized Medicine
Classification: Uncertain significance for Hypertrophic cardiomyopathy. Last evaluated: 2022-02-07. Review status: criteria provided, single submitter. Criteria: ACMG Guidelines, 2015. Collection method: clinical testing. Allele origin: germline.
Comment: The p.Ile736Val variant in MYH7 has been reported in the literature in 2 individuals with HCM (Bos 2014; Homburger 2016; Alfares 2015; Walsh 2017). This variant has also been reported in ClinVar (VariationID: 42889). It has been identified in 2/113468 of European chromosomes by the Genome Aggregation Database (gnomAD; dbSNP rs397516138). This variant was predicted to be benign using a computational tool clinically validated by our laboratory. This tool's benign prediction is estimated to be correct 89% of the time (Jordan 2011). In addition, the change from isoleucine (Ile) to valine (Val) has been seen in distantly related species. However, a different pathogenic variant involving the same codon (p.Ile736Thr) has been identified in multiple individuals with HCM, suggesting changes at this position may not be tolerated. In addition, this variant lies in the head region of the protein. Missense variants in this region have been reported and statistically indicated to be more likely to cause disease (Walsh 2016). In summary, while there is some suspicion for a pathogenic role, the clinical significance of the p.Ile736Val variant is uncertain due to conflicting data. ACMG/AMP criteria applied: PS4_supporting, PM5, PM2_Supporting.

Ambry Genetics
Classification: Uncertain significance for Cardiovascular phenotype. Last evaluated: 2020-09-04. Review status: criteria provided, single submitter. Criteria: Ambry Variant Classification Scheme 2023. Collection method: clinical testing. Allele origin: germline.

Blueprint Genetics
Classification: Uncertain significance. Last evaluated: 2018-09-06. Review status: criteria provided, single submitter. Criteria: ACMG Guidelines, 2015. Collection method: clinical testing. Allele origin: germline.

Stanford Center for Inherited Cardiovascular Disease, Stanford University
Classification: Uncertain significance. Last evaluated: 2014-12-22. Review status: criteria provided, single submitter. Criteria: ACMG Guidelines, 2015. Collection method: provider interpretation. Allele origin: germline.

Division of Human Genetics, Children's Hospital of Philadelphia
Classification: Uncertain significance for Cardiomyopathy, familial hypertrophic, 1. Last evaluated: 2014-07-17. Review status: no assertion criteria provided. Collection method: research. Allele origin: paternal. Affected: yes. Study: CSER-PediSeq. Not counted in ClinVar's aggregate classification.
Comment: This test identified a previously reported variant (c.2206T>C;p.Ile736Val) in the MYH7 gene. This gene is associated with different cardiac conditions including familial hypertrophic cardiomyopathy. The p.Ile736Val variant has been reported in one patient with hypertrophic cardiomyopathy (Bos et al. 2014, PMID: 24793961). Additionally, other variants with different amino acid change (at the same position) have been reported in individuals with familial hypertrophic cardiomyopathy (Koga et al. 1996, PMID: 8951566; Erdmann et al. 2003, PMID: 12974739; Millat et al. 2010, PMID: 20800588).

Literature cited by the submitters: PubMed 24793961 (cited by 6 submitters); PubMed 26914223 (cited by Labcorp Genetics (formerly Invitae), Labcorp and Color Diagnostics, LLC DBA Color Health); PubMed 30297972 (cited by Labcorp Genetics (formerly Invitae), Labcorp and Color Diagnostics, LLC DBA Color Health); PubMed 37652022 (cited by Labcorp Genetics (formerly Invitae), Labcorp); PubMed 15856146 (cited by Labcorp Genetics (formerly Invitae), Labcorp); PubMed 25935763 (cited by Labcorp Genetics (formerly Invitae), Labcorp); PubMed 25611685 (cited by 4 submitters); PubMed 27532257 (cited by 3 submitters); PubMed 32894683 (cited by Color Diagnostics, LLC DBA Color Health and Mayo Clinic Laboratories, Mayo Clinic); PubMed 27247418 (cited by Mayo Clinic Laboratories, Mayo Clinic and Laboratory for Molecular Medicine, Mass General Brigham Personalized Medicine); PubMed 34542152 (cited by Mayo Clinic Laboratories, Mayo Clinic).